The following is an entry in ClinVar:

ClinVar aggregate classification (germline): Uncertain significance. Review status: criteria provided, multiple submitters, no conflicts (2 of 4 stars). 2 submissions from 2 submitters: Uncertain significance (2). Last evaluated 2025-06-01.

Allele frequency attached by ClinVar (database versions not stated): gnomAD 0.00004; TOPMed 0.00006; ESP Exome Variant Server 0.00008; gnomAD exomes 0.00011; ExAC 0.00018.

Submissions (2):

Labcorp Genetics (formerly Invitae), Labcorp
Classification: Uncertain significance. Last evaluated: 2025-06-01. Review status: criteria provided, single submitter. Criteria: Invitae Variant Classification Sherloc (09022015). Collection method: clinical testing. Allele origin: germline.
Comment: This sequence change replaces asparagine, which is neutral and polar, with serine, which is neutral and polar, at codon 442 of the ANKZF1 protein (p.Asn442Ser). This variant is present in population databases (rs375313444, gnomAD 0.04%). This variant has not been reported in the literature in individuals affected with ANKZF1-related conditions. ClinVar contains an entry for this variant (Variation ID: 2178159). An algorithm developed to predict the effect of missense changes on protein structure and function outputs the following: PolyPhen-2: "Benign". The serine amino acid residue is found in multiple mammalian species, which suggests that this missense change does not adversely affect protein function. In summary, the available evidence is currently insufficient to determine the role of this variant in disease. Therefore, it has been classified as a Variant of Uncertain Significance.

Ambry Genetics
Classification: Uncertain significance. Last evaluated: 2021-08-19. Review status: criteria provided, single submitter. Criteria: Ambry Variant Classification Scheme 2023. Collection method: clinical testing. Allele origin: germline.

NM_018089.3(ANKZF1):c.1325A>G (p.Asn442Ser)

Gene: ANKZF1 (ankyrin repeat and zinc finger peptidyl tRNA hydrolase 1; plus strand). Cytogenetic location: 2q35.
Variant type: single nucleotide variant.
Coding change: c.1325A>G on transcript NM_018089.3 (MANE Select); coding-DNA position 1325, A replaced by G.
Protein change: p.Asn442Ser; replaces asparagine 442 with serine.
Molecular consequence: missense variant.
Genome position (GRCh38, 1-based): chr2:219,234,946, A>G. VCF-style: chr2-219234946-A-G. GRCh37 (hg19) VCF-style: chr2-220099668-A-G.
Other names: c.1325A>G (NM_018089.2); c.1325A>G, p.Asn442Ser (NM_001042410.2); c.695A>G, p.Asn232Ser (NM_001282792.2); short protein forms N232S, N442S.
Identifiers: ClinVar variation 2178159 (VCV002178159.5), dbSNP rs375313444, ClinGen allele CA2121041.
Genomic context (GRCh38, chr2:219,234,946, plus strand): 5'-TGGGGACTCTGGATCTTTGTGAGTCTGAAGTATTGCCCAAGCGGAGGAGGAGAAAAAGGA[A>G]TAAGAAGGAGAAAAGCCGAGACCAGGAGGCTGGGGCACATCGGACTCTTCTCCAGCAAAC-3'
Protein context (NP_060559.2, residues 432-452): VLPKRRRRKR[Asn442Ser]KKEKSRDQEA